The following is an entry in ClinVar:

NM_000540.3(RYR1):c.10019-253C>T

Gene: RYR1 (ryanodine receptor 1; plus strand). Cytogenetic location: 19q13.2.
Variant type: single nucleotide variant.
Coding change: c.10019-253C>T on transcript NM_000540.3 (MANE Select); 253 bases into the intron before coding-DNA position 10019, C replaced by T.
Molecular consequence: intron variant.
Genome position (GRCh38, 1-based): chr19:38,518,961, C>T. VCF-style: chr19-38518961-C-T. GRCh37 (hg19) VCF-style: chr19-39009601-C-T.
Other names: c.10019-253C>T (NM_001042723.2).
Identifiers: ClinVar variation 680763 (VCV000680763.1), dbSNP rs71356810, ClinGen allele CA16572084.

ClinVar aggregate classification (germline): Benign (1 of 4 stars; one submission).

Allele frequency attached by ClinVar (database versions not stated): 1000 Genomes Project 30x 0.18379; 1000 Genomes Project 0.18630; gnomAD 0.18828; TOPMed 0.18977.
gnomAD v4.1: 28,672 of 150,334 alleles (19%); highest among the groups gnomAD compares: East Asian, 30%; 3,398 homozygotes.

Submission:

GeneDx
Classification: Benign. Last evaluated: 2018-06-14. Review status: criteria provided, single submitter. Criteria: GeneDx Variant Classification (06012015). Collection method: clinical testing. Allele origin: germline. Affected: yes.
Comment: This variant is considered likely benign or benign based on one or more of the following criteria: it is a conservative change, it occurs at a poorly conserved position in the protein, it is predicted to be benign by multiple in silico algorithms, and/or has population frequency not consistent with disease.